The following is an entry in ClinVar:

ClinVar aggregate classification (germline): Uncertain significance (1 of 4 stars; one submission).

Conditions:
Inborn genetic diseases. Identifiers: MedGen C0950123, MeSH D030342.

Submission:

Ambry Genetics
Classification: Uncertain significance for Inborn genetic diseases. Last evaluated: 2021-07-10. Review status: criteria provided, single submitter. Criteria: Ambry Variant Classification Scheme 2023. Collection method: clinical testing. Allele origin: germline.
Comment: The p.Q1960H variant (also known as c.5880G>C), located in coding exon 40 of the LRRK2 gene, results from a G to C substitution at nucleotide position 5880. The glutamine at codon 1960 is replaced by histidine, an amino acid with highly similar properties. This amino acid position is conserved. In addition, this alteration is predicted to be tolerated by in silico analysis. Since supporting evidence is limited at this time, the clinical significance of this alteration remains unclear.

NM_198578.4(LRRK2):c.5880G>C (p.Gln1960His)

Gene: LRRK2 (leucine rich repeat kinase 2; plus strand). Cytogenetic location: 12q12.
Variant type: single nucleotide variant.
Coding change: c.5880G>C on transcript NM_198578.4 (MANE Select); coding-DNA position 5880, G replaced by C.
Protein change: p.Gln1960His; replaces glutamine 1960 with histidine.
Molecular consequence: missense variant.
Genome position (GRCh38, 1-based): chr12:40,335,089, G>C. VCF-style: chr12-40335089-G-C. GRCh37 (hg19) VCF-style: chr12-40728891-G-C.
Other names: short protein forms Q1960H.
Identifiers: ClinVar variation 1750269 (VCV001750269.2), dbSNP rs1388543844, ClinGen allele CA384402255.